The following is an entry in ClinVar:

ClinVar aggregate classification (germline): Likely benign (1 of 4 stars; one submission).

Allele frequency attached by ClinVar (database versions not stated): TOPMed below 0.00001; gnomAD 0.00001.
gnomAD v4.1: 1 of 1,610,634 alleles (0.000062%); highest among the groups gnomAD compares: African/African-American, 0.0013%; no homozygotes.

Submission:

CeGaT Center for Human Genetics Tuebingen
Classification: Likely benign. Last evaluated: 2022-08-01. Review status: criteria provided, single submitter. Criteria: CeGaT Center For Human Genetics Tuebingen Variant Classification Criteria Version 2. Collection method: clinical testing. Allele origin: germline. Affected: yes. Observed: 1 variant allele.
Comment: CACNA2D2: BP4

NM_006030.4(CACNA2D2):c.1551+6G>A

Gene: CACNA2D2 (calcium voltage-gated channel auxiliary subunit alpha2delta 2; minus strand). Cytogenetic location: 3p21.31.
Variant type: single nucleotide variant.
Coding change: c.1551+6G>A on transcript NM_006030.4 (MANE Select); 6 bases into the intron after coding-DNA position 1551, G replaced by A.
Molecular consequence: intron variant.
Genome position (GRCh38, 1-based): chr3:50,377,726, C>T on the plus strand (G>A on the coding strand, the complement: CACNA2D2 is on the minus strand). VCF-style: chr3-50377726-C-T. GRCh37 (hg19) VCF-style: chr3-50415157-C-T.
Other names: c.1344+6G>A (NM_001291101.1); c.1551+6G>A (NM_001005505.3, NM_001410768.1, NM_001174051.3).
Identifiers: ClinVar variation 2653861 (VCV002653861.24), dbSNP rs1467809004, ClinGen allele CA907918871.